The following is an entry in ClinVar:

ClinVar aggregate classification (germline): Conflicting classifications of pathogenicity. Review status: criteria provided, conflicting classifications (1 of 4 stars). 5 submissions from 4 submitters: Uncertain significance (1); Likely benign (2). 2 of the submissions do not count toward it. Last evaluated 2026-02-02.

Conditions:
FAT4-related disorder. Also called: FAT4-related condition.

Allele frequency attached by ClinVar (database versions not stated): ExAC 0.00071; gnomAD exomes 0.00073 and 0.00152; TOPMed 0.00079; gnomAD 0.00086 and 0.00087; ESP Exome Variant Server 0.00118.
gnomAD v4.1: 2,343 of 1,613,706 alleles (0.15%); highest among the groups gnomAD compares: Non-Finnish European, 0.19%; no homozygotes.

Submissions (5):

Labcorp Genetics (formerly Invitae), Labcorp
Classification: Likely benign. Last evaluated: 2026-02-02. Review status: criteria provided, single submitter. Criteria: Invitae Variant Classification Sherloc (09022015). Collection method: clinical testing. Allele origin: germline.

ARUP Laboratories, Molecular Genetics and Genomics, ARUP Laboratories
Classification: Uncertain significance. Last evaluated: 2025-04-09. Review status: criteria provided, single submitter. Criteria: ARUP Molecular Germline Variant Investigation Process 2024. Collection method: clinical testing. Allele origin: germline.
Comment: The FAT4 c.3682C>G; p.Gln1228Glu variant (rs200227715), to our knowledge, is not reported in the medical literature but is reported in ClinVar (Variation ID: 373174). This variant is found in the general population with an overall allele frequency of 0.074% (207/280696 alleles) in the Genome Aggregation Database (v2.1.1). Computational analyses are uncertain whether this variant is neutral or deleterious (REVEL: 0.251). Due to limited information, the clinical significance of this variant is uncertain at this time.

GeneDx
Classification: Likely benign. Last evaluated: 2020-02-17. Review status: criteria provided, single submitter. Criteria: GeneDx Variant Classification Process June 2021. Collection method: clinical testing. Allele origin: germline. Affected: yes.
Comment: In silico analysis, which includes protein predictors and evolutionary conservation, supports that this variant does not alter protein structure/function; Has not been previously published as pathogenic or benign to our knowledge; This variant is associated with the following publications: (PMID: 25188385)

PreventionGenetics, part of Exact Sciences
Classification: Uncertain significance for FAT4-related condition. Last evaluated: 2024-06-29. Review status: no assertion criteria provided. Collection method: clinical testing. Allele origin: germline. Not counted in ClinVar's aggregate classification.
Comment: The FAT4 c.3682C>G variant is predicted to result in the amino acid substitution p.Gln1228Glu. To our knowledge, this variant has not been reported in the literature. This variant is reported in 0.14% of alleles in individuals of European (Non-Finnish) descent in gnomAD. Although we suspect that this variant may be benign, at this time, the clinical significance of this variant is uncertain due to the absence of conclusive functional and genetic evidence.

GeneDx
Classification: Uncertain significance. Last evaluated: 2016-11-15. Review status: flagged submission. Criteria: GeneDx Variant Classification (06012015). Collection method: clinical testing. Allele origin: germline. Affected: yes. Not counted in ClinVar's aggregate classification.
Comment: A variant of uncertain significance has been identified in the FAT4 gene. The Q1228E variant has not been published as a pathogenic variant, nor has it been reported as a benign variant to our knowledge. It was not observed with any significant frequency in approximately 6,000 individuals of European and African American ancestry in the NHLBI Exome Sequencing Project. The Q1228E variant is a semi-conservative amino acid substitution, which may impact secondary protein structure as these residues differ in some properties. This substitution occurs at a position that is conserved across species. However, in silico analysis is inconsistent in its predictions as to whether or not the variant is damaging to the protein structure/function. Therefore, based on the currently available information, it is unclear whether this variant is a pathogenic variant or a rare benign variant.
ClinVar note: Reason: This record appears to be redundant with a more recent record from the same submitter.
ClinVar note: Notes: SCV000491749 appears to be redundant with SCV001813537.

NM_001291303.3(FAT4):c.3682C>G (p.Gln1228Glu)

Gene: FAT4 (FAT atypical cadherin 4; plus strand). Cytogenetic location: 4q28.1.
Variant type: single nucleotide variant.
Coding change: c.3682C>G on transcript NM_001291303.3 (MANE Select); coding-DNA position 3682, C replaced by G.
Protein change: p.Gln1228Glu; replaces glutamine 1228 with glutamic acid.
Molecular consequence: missense variant.
Genome position (GRCh38, 1-based): chr4:125,320,093, C>G. VCF-style: chr4-125320093-C-G. GRCh37 (hg19) VCF-style: chr4-126241248-C-G.
Other names: c.3682C>G, p.Gln1228Glu (NM_001291285.3, NM_024582.6); c.3682C>G (NM_001291303.1); short protein forms Q1228E.
Identifiers: ClinVar variation 373174 (VCV000373174.13), dbSNP rs200227715, ClinGen allele CA3072345.
Genomic context (GRCh38, chr4:125,320,093, plus strand): 5'-CCCAAATTTTTAAAAGACTTTTACCAAGCTACAATATCAGAATCAGCAGCCAATCTGACA[C>G]AAGTGTTAAGAGTATCTGCCTCAGATGTTGATGAAGGTAATAATGGACTTATTCACTATT-3'
Protein context (NP_001278232.1, residues 1218-1238): TISESAANLT[Gln1228Glu]VLRVSASDVD